The following is an entry in ClinVar:

ClinVar aggregate classification (germline): Uncertain significance. Review status: criteria provided, multiple submitters, no conflicts (2 of 4 stars). 2 submissions from 2 submitters: Uncertain significance (2). Last evaluated 2026-08-31.

Conditions:
Cardiovascular phenotype. Identifiers: MedGen CN230736.
Myofibrillar myopathy 5. Also called: Filaminopathy (type); FILAMINOPATHY, AUTOSOMAL DOMINANT. Identifiers: Orphanet 171445, MedGen C1836050, MONDO:0012289, OMIM 609524.
Hypertrophic cardiomyopathy 26. Also called: Cardiomyopathy, familial hypertrophic, 26. Identifiers: Orphanet 75249, MedGen C4310749, MONDO:0014883, OMIM 617047.
Distal myopathy with posterior leg and anterior hand involvement. Also called: WILLIAMS DISTAL MYOPATHY. Identifiers: Orphanet 63273, MedGen C3279722, MONDO:0013550, OMIM 614065.

Submissions (2):

Ambry Genetics
Classification: Uncertain significance for Cardiovascular phenotype. Last evaluated: 2026-08-31. Review status: criteria provided, single submitter. Criteria: Ambry Variant Classification Scheme 2023. Collection method: clinical testing. Allele origin: germline.

Labcorp Genetics (formerly Invitae), Labcorp
Classification: Uncertain significance for Distal myopathy with posterior leg and anterior hand involvement; Myofibrillar myopathy 5; Hypertrophic cardiomyopathy 26. Last evaluated: 2023-05-21. Review status: criteria provided, single submitter. Criteria: Invitae Variant Classification Sherloc (09022015). Collection method: clinical testing. Allele origin: germline.
Comment: This variant is not present in population databases (gnomAD no frequency). In summary, the available evidence is currently insufficient to determine the role of this variant in disease. Therefore, it has been classified as a Variant of Uncertain Significance. Advanced modeling of protein sequence and biophysical properties (such as structural, functional, and spatial information, amino acid conservation, physicochemical variation, residue mobility, and thermodynamic stability) has been performed at Invitae for this missense variant, however the output from this modeling did not meet the statistical confidence thresholds required to predict the impact of this variant on FLNC protein function. This variant has not been reported in the literature in individuals affected with FLNC-related conditions. This sequence change replaces lysine, which is basic and polar, with glutamic acid, which is acidic and polar, at codon 717 of the FLNC protein (p.Lys717Glu).

NM_001458.5(FLNC):c.2149A>G (p.Lys717Glu)

Genes: FLNC (filamin C; plus strand), LOC129999273 (ATAC-STARR-seq lymphoblastoid silent region 18616; plus strand). Cytogenetic location: 7q32.1.
Variant type: single nucleotide variant.
Coding change: c.2149A>G on transcript NM_001458.5 (MANE Select); coding-DNA position 2149, A replaced by G.
Protein change: p.Lys717Glu; replaces lysine 717 with glutamic acid.
Molecular consequence: missense variant.
Genome position (GRCh38, 1-based): chr7:128,842,258, A>G. VCF-style: chr7-128842258-A-G. GRCh37 (hg19) VCF-style: chr7-128482312-A-G.
Other names: c.2149A>G, p.Lys717Glu (NM_001127487.2); short protein forms K717E.
Identifiers: ClinVar variation 2932623 (VCV002932623.4), dbSNP rs2536630350, ClinGen allele CA369228709.
Genomic context (GRCh38, chr7:128,842,258, plus strand): 5'-CAGCTATGAACTTTGCTTGGGTGATGCCCACAGGACGCCGACGGCTGTCCCATCGACATC[A>G]AGGTGATCCCCAACGGCGACGGCACCTTCCGCTGCTCCTACGTGCCCACCAAGCCCATTA-3'
Protein context (NP_001449.3, residues 707-727): QDADGCPIDI[Lys717Glu]VIPNGDGTFR